The following is an entry in ClinVar:

ClinVar aggregate classification (germline): Uncertain significance. Review status: criteria provided, multiple submitters, no conflicts (2 of 4 stars). 4 submissions from 4 submitters: Uncertain significance (4). Last evaluated 2026-07-02.

Conditions:
TTN-related disorder. Also called: TTN-related condition; TTN-related disease; TTN-related disorders.
Dilated cardiomyopathy 1G (CMD1G). Identifiers: Orphanet 154, MedGen C1858763, MONDO:0011400, OMIM 604145.
Autosomal recessive limb-girdle muscular dystrophy type 2J (LGMDR10). Also called: Limb-girdle muscular dystrophy, type 2J; MUSCULAR DYSTROPHY, LIMB-GIRDLE, AUTOSOMAL RECESSIVE 10. Identifiers: Orphanet 140922, MedGen C1837342, MONDO:0012127, OMIM 608807.

Allele frequency attached by ClinVar (database versions not stated): gnomAD exomes below 0.00001 and 0.00001; ExAC 0.00001; gnomAD 0.00001; TOPMed 0.00002.
gnomAD v4.1: 8 of 1,613,652 alleles (0.0005%); highest among the groups gnomAD compares: African/African-American, 0.011%; no homozygotes.

Submissions (4):

PreventionGenetics, part of Exact Sciences
Classification: Uncertain significance for TTN-related condition. Last evaluated: 2026-07-02. Review status: criteria provided, single submitter. Criteria: ACMG Guidelines, 2015. Collection method: clinical testing. Allele origin: germline.
Comment: The TTN c.82616C>G variant is predicted to result in the amino acid substitution p.Ser27539Cys. This variant has been reported in an individual within a left ventricular non-compaction cohort (Supplementary Table 2, Mazzarotto et al. 2021. PubMed ID: 33500567). This variant is reported in 0.019% of alleles in individuals of African descent in gnomAD. At this time, the clinical significance of this variant is uncertain due to the absence of conclusive functional and genetic evidence.

Women's Health and Genetics/Laboratory Corporation of America, LabCorp
Classification: Uncertain significance. Last evaluated: 2026-06-17. Review status: criteria provided, single submitter. Criteria: LabCorp Variant Classification Summary - May 2015. Collection method: clinical testing. Allele origin: germline.
Comment: Variant summary: TTN c.74912C>G (p.Ser24971Cys) results in a non-conservative amino acid change in the encoded protein sequence. Algorithms developed to predict the effect of missense changes on protein structure and function are either unavailable or do not agree on the potential impact of this missense change. The variant allele was found at a frequency of 1.2e-05 in 248808 control chromosomes. The available data on variant occurrences in the general population are insufficient to allow any conclusion about variant significance. c.74912C>G has been observed in one individual affected with left ventricular noncompaction (Mazzarotto_2021). The report does not provide unequivocal conclusions about association of the variant with disease. To our knowledge, no experimental evidence demonstrating an impact on protein function has been reported. The following publication have been ascertained in the context of this evaluation (PMID: 33500567). ClinVar contains an entry for this variant (Variation ID: 165798). Based on the evidence outlined above, the variant was classified as uncertain significance.

Labcorp Genetics (formerly Invitae), Labcorp
Classification: Uncertain significance for Dilated cardiomyopathy 1G; Autosomal recessive limb-girdle muscular dystrophy type 2J. Last evaluated: 2016-05-22. Review status: criteria provided, single submitter. Criteria: Invitae Variant Classification Sherloc (09022015). Collection method: clinical testing. Allele origin: germline.

Laboratory for Molecular Medicine, Mass General Brigham Personalized Medicine
Classification: Uncertain significance. Last evaluated: 2014-07-14. Review status: criteria provided, single submitter. Criteria: LMM Criteria. Collection method: clinical testing. Allele origin: germline. Observed: 1 variant allele.
Comment: The Ser24971Cys variant in TTN has not been previously reported in individuals w ith cardiomyopathy or in large population studies. Computational prediction tool s and conservation analysis do not provide strong support for or against an impa ct to the protein. In summary, the clinical significance of the Ser24971Cys vari ant is uncertain.

Literature cited by the submitters: PubMed 33500567 (cited by Women's Health and Genetics/Laboratory Corporation of America, LabCorp).

NM_001267550.2(TTN):c.82616C>G (p.Ser27539Cys)

Genes: TTN-AS1 (TTN antisense RNA 1; plus strand), TTN (titin; minus strand). Cytogenetic location: 2q31.2.
Variant type: single nucleotide variant.
Coding change: c.82616C>G on transcript NM_001267550.2 (MANE Select); coding-DNA position 82616, C replaced by G.
Protein change: p.Ser27539Cys; replaces serine 27539 with cysteine.
Molecular consequence: missense variant.
Genome position (GRCh38, 1-based): chr2:178,563,516, G>C on the plus strand (C>G on the coding strand, the complement: TTN is on the minus strand). VCF-style: chr2-178563516-G-C. GRCh37 (hg19) VCF-style: chr2-179428243-G-C.
Other names: c.77693C>G, p.Ser25898Cys (NM_001256850.1); c.55421C>G, p.Ser18474Cys (NM_003319.4); c.55796C>G, p.Ser18599Cys (NM_133432.3); c.55997C>G, p.Ser18666Cys (NM_133437.4); c.74912C>G, p.Ser24971Cys (NM_133378.4); short protein forms S24971C, S27539C, S18599C, S18666C, S25898C, S18474C.
Identifiers: ClinVar variation 165798 (VCV000165798.9), dbSNP rs727503556, ClinGen allele CA178472.